The following is an entry in ClinVar:

ClinVar aggregate classification (germline): Uncertain significance. Review status: criteria provided, multiple submitters, no conflicts (2 of 4 stars). 2 submissions from 2 submitters: Uncertain significance (2). Last evaluated 2026-05-01.

Conditions:
PKD1-related disorder. Also called: PKD1-related condition.

Allele frequency attached by ClinVar (database versions not stated): gnomAD 0.00005; TOPMed 0.00006; ExAC 0.00008.

Submissions (2):

PreventionGenetics, part of Exact Sciences
Classification: Uncertain significance for PKD1-related condition. Last evaluated: 2026-05-01. Review status: criteria provided, single submitter. Criteria: ACMG Guidelines, 2015. Collection method: clinical testing. Allele origin: germline.
Comment: The PKD1 c.1001C>T variant is predicted to result in the amino acid substitution p.Thr334Met. This variant has been reported in an individual with autosomal dominant polycystic kidney disease (ADPKD) (Raj et al. 2020. PubMed ID: 32823016). This variant is reported in 0.0071% of alleles in individuals of European (Non-Finnish) descent in gnomAD. At this time, the clinical significance of this variant is uncertain due to the absence of conclusive functional and genetic evidence.

Women's Health and Genetics/Laboratory Corporation of America, LabCorp
Classification: Uncertain significance. Last evaluated: 2025-09-16. Review status: criteria provided, single submitter. Criteria: LabCorp Variant Classification Summary - May 2015. Collection method: clinical testing. Allele origin: germline.
Comment: Variant summary: PKD1 c.1001C>T (p.Thr334Met) results in a non-conservative amino acid change in the encoded protein sequence. Algorithms developed to predict the effect of missense changes on protein structure and function are either unavailable or do not agree on the potential impact of this missense change. The variant allele was found at a frequency of 3.5e-05 in 141236 control chromosomes. The available data on variant occurrences in the general population are insufficient to allow any conclusion about variant significance. c.1001C>T has been observed in individual(s) affected with Polycystic Kidney Disease 1 (Raj_2020).These report(s) do not provide unequivocal conclusions about association of the variant with Polycystic Kidney Disease 1. To our knowledge, no experimental evidence demonstrating an impact on protein function has been reported. The following publication have been ascertained in the context of this evaluation (PMID: 32823016). ClinVar contains an entry for this variant (Variation ID: 2634054). Based on the evidence outlined above, the variant was classified as uncertain significance.

Literature cited by the submitters: PubMed 32823016 (cited by Women's Health and Genetics/Laboratory Corporation of America, LabCorp).

NM_001009944.3(PKD1):c.1001C>T (p.Thr334Met)

Gene: PKD1 (polycystin 1, transient receptor potential channel interacting; minus strand). Cytogenetic location: 16p13.3.
Variant type: single nucleotide variant.
Coding change: c.1001C>T on transcript NM_001009944.3 (MANE Select); coding-DNA position 1001, C replaced by T.
Protein change: p.Thr334Met; replaces threonine 334 with methionine.
Molecular consequence: missense variant.
Genome position (GRCh38, 1-based): chr16:2,117,991, G>A on the plus strand (C>T on the coding strand, the complement: PKD1 is on the minus strand). VCF-style: chr16-2117991-G-A. GRCh37 (hg19) VCF-style: chr16-2167992-G-A.
Other names: c.1001C>T, p.Thr334Met (NM_000296.4); short protein forms T334M.
Identifiers: ClinVar variation 2634054 (VCV002634054.3), dbSNP rs4018169, ClinGen allele CA7833605.
Genomic context (GRCh38, chr16:2,117,991, plus strand): 5'-GCTTCCACCTGCACGTCTGTCCCCAGCAGGGCTGAGCCGGCCCCCAGGGCCAGCACGGCC[G>A]TCACGTGATAGCGCCCAGGCAGCACATAGCGATGCGAGGCAGCCGGCCCAGCGGCATCCA-3'
Protein context (NP_001009944.3, residues 324-344): RYVLPGRYHV[Thr334Met]AVLALGAGSA